The following is an entry in ClinVar:

ClinVar aggregate classification (germline): Pathogenic (1 of 4 stars; one submission).

Conditions:
Intellectual developmental disorder, X-linked 104. Also called: Intellectual disability, X-linked 104. Identifiers: MedGen C4310817, MONDO:0010509, OMIM 300983.

Submission:

Institute of Human Genetics, University of Leipzig Medical Center
Classification: Pathogenic for Intellectual developmental disorder, X-linked 104. Last evaluated: 2026-07-20. Review status: criteria provided, single submitter. Criteria: ACMG Guidelines, 2015. Collection method: clinical testing. Allele origin: unknown. Inheritance: X-linked recessive inheritance. Affected: yes.
Comment: Criteria applied: PVS1,PM2

NM_001368397.1(FRMPD4):c.3816dup (p.Ala1273fs)

Gene: FRMPD4 (FERM and PDZ domain containing 4; plus strand). Cytogenetic location: Xp22.2.
Variant type: Duplication.
Coding change: c.3816dup on transcript NM_001368397.1 (MANE Select); coding-DNA position 3816, one base duplicated (A; older notation c.3816dupA).
Protein change: p.Ala1273fs; shifts the reading frame from alanine 1273.
Molecular consequence: frameshift variant.
Genome position (GRCh38, 1-based): chrX:12,718,642, A duplicated. VCF-style (leftmost placement, unchanged base first): chrX-12718641-G-GA. GRCh37 (hg19) VCF-style: chrX-12736760-G-GA.
Other names: c.3927dup, p.Ala1310fs (NM_001368395.3, NM_001368398.3); c.3822dup, p.Ala1275fs (NM_001368396.3); c.3807dup, p.Ala1270fs (NM_001368399.3); c.3696dup, p.Ala1233fs (NM_001368400.3); c.3792dup, p.Ala1265fs (NM_001368401.1, NM_001368402.3); c.3816dup, p.Ala1273fs (NM_014728.3); short protein forms A1233fs, A1265fs, A1270fs, A1273fs, A1275fs, A1310fs.
Identifiers: ClinVar variation 4890711 (VCV004890711.1).